The following is an entry in ClinVar:

NM_003764.4(STX11):c.691A>T (p.Met231Leu)

Gene: STX11 (syntaxin 11; plus strand). Cytogenetic location: 6q24.2.
Variant type: single nucleotide variant.
Coding change: c.691A>T on transcript NM_003764.4 (MANE Select); coding-DNA position 691, A replaced by T.
Protein change: p.Met231Leu; replaces methionine 231 with leucine.
Molecular consequence: missense variant.
Genome position (GRCh38, 1-based): chr6:144,187,318, A>T. VCF-style: chr6-144187318-A-T. GRCh37 (hg19) VCF-style: chr6-144508455-A-T.
Other names: short protein forms M231L.
Identifiers: ClinVar variation 1469199 (VCV001469199.5), dbSNP rs1197769226, ClinGen allele CA365949792.
Genomic context (GRCh38, chr6:144,187,318, plus strand): 5'-CACCGCGAACTGCTGCGCCTGGAGAGCCGCATCCGCGACGTACACGAGCTCTTCTTGCAG[A>T]TGGCGGTGCTGGTGGAGAAGCAGGCCGACACCCTGAACGTCATCGAGCTCAACGTACAAA-3'
Protein context (NP_003755.2, residues 221-241): IRDVHELFLQ[Met231Leu]AVLVEKQADT

ClinVar aggregate classification (germline): Uncertain significance (1 of 4 stars; one submission).

Conditions:
Familial hemophagocytic lymphohistiocytosis 4 (FHL4). Also called: STX11-Related Familial Hemophagocytic Lymphohistiocytosis (STX11-fHLH). Identifiers: Orphanet 540, MedGen C1863728, MONDO:0011336, OMIM 603552.

Allele frequency attached by ClinVar (database versions not stated): gnomAD exomes below 0.00001.
gnomAD v4.1: 1 of 1,611,612 alleles (0.000062%); highest among the groups gnomAD compares: Admixed American, 0.0017%; no homozygotes.

Submission:

Labcorp Genetics (formerly Invitae), Labcorp
Classification: Uncertain significance for Familial hemophagocytic lymphohistiocytosis 4. Last evaluated: 2021-08-24. Review status: criteria provided, single submitter. Criteria: Invitae Variant Classification Sherloc (09022015). Collection method: clinical testing. Allele origin: germline.
Comment: This sequence change replaces methionine with leucine at codon 231 of the STX11 protein (p.Met231Leu). The methionine residue is moderately conserved and there is a small physicochemical difference between methionine and leucine. This variant is not present in population databases (ExAC no frequency). This variant has not been reported in the literature in individuals affected with STX11-related conditions. Algorithms developed to predict the effect of missense changes on protein structure and function (SIFT, PolyPhen-2, Align-GVGD) all suggest that this variant is likely to be tolerated. In summary, the available evidence is currently insufficient to determine the role of this variant in disease. Therefore, it has been classified as a Variant of Uncertain Significance.